The following is an entry in ClinVar:

NM_006767.4(LZTR1):c.673C>T (p.Pro225Ser)

Gene: LZTR1 (leucine zipper like post translational regulator 1; plus strand). Cytogenetic location: 22q11.21.
Variant type: single nucleotide variant.
Coding change: c.673C>T on transcript NM_006767.4 (MANE Select); coding-DNA position 673, C replaced by T.
Protein change: p.Pro225Ser; replaces proline 225 with serine.
Molecular consequence: missense variant.
Genome position (GRCh38, 1-based): chr22:20,990,407, C>T. VCF-style: chr22-20990407-C-T. GRCh37 (hg19) VCF-style: chr22-21344696-C-T.
Other names: short protein forms P225S.
Identifiers: ClinVar variation 2496788 (VCV002496788.2), dbSNP rs1924563615, ClinGen allele CA410780453.

ClinVar aggregate classification (germline): Uncertain significance (1 of 4 stars; one submission).

Conditions:
Hereditary cancer-predisposing syndrome. Also called: Neoplastic Syndromes, Hereditary; Hereditary neoplastic syndrome; Tumor predisposition; Hereditary Cancer Syndrome. Identifiers: Orphanet 140162, MedGen C0027672, MeSH D009386, MONDO:0015356.
Cardiovascular phenotype. Identifiers: MedGen CN230736.

Submission:

Ambry Genetics
Classification: Uncertain significance for Cardiovascular phenotype; Hereditary cancer-predisposing syndrome. Last evaluated: 2023-01-16. Review status: criteria provided, single submitter. Criteria: Ambry Variant Classification Scheme 2023. Collection method: clinical testing. Allele origin: germline.
Comment: The p.P225S variant (also known as c.673C>T), located in coding exon 8 of the LZTR1 gene, results from a C to T substitution at nucleotide position 673. The proline at codon 225 is replaced by serine, an amino acid with similar properties. This amino acid position is conserved. In addition, the in silico prediction for this alteration is inconclusive. Since supporting evidence is limited at this time, the clinical significance of this alteration remains unclear.